The following is an entry in ClinVar:

ClinVar aggregate classification (germline): Uncertain significance (1 of 4 stars; one submission).

Conditions:
Hereditary cancer-predisposing syndrome. Also called: Neoplastic Syndromes, Hereditary; Tumor predisposition; Hereditary neoplastic syndrome; Hereditary Cancer Syndrome. Identifiers: Orphanet 140162, MedGen C0027672, MeSH D009386, MONDO:0015356.

Submission:

Ambry Genetics
Classification: Uncertain significance for Hereditary cancer-predisposing syndrome. Last evaluated: 2026-09-03. Review status: criteria provided, single submitter. Criteria: Ambry Variant Classification Scheme 2023. Collection method: clinical testing. Allele origin: germline.
Comment: The p.G801R variant (also known as c.2401G>C), located in coding exon 23 of the RB1 gene, results from a G to C substitution at nucleotide position 2401. The glycine at codon 801 is replaced by arginine, an amino acid with dissimilar properties. This amino acid position is conserved. In addition, the in silico prediction for this alteration is inconclusive. Based on the available evidence, the clinical significance of this variant remains unclear.

NM_000321.3(RB1):c.2401G>C (p.Gly801Arg)

Gene: RB1 (RB transcriptional corepressor 1; plus strand). Cytogenetic location: 13q14.2.
Variant type: single nucleotide variant.
Coding change: c.2401G>C on transcript NM_000321.3 (MANE Select); coding-DNA position 2401, G replaced by C.
Protein change: p.Gly801Arg; replaces glycine 801 with arginine.
Molecular consequence: missense variant.
Genome position (GRCh38, 1-based): chr13:48,465,280, G>C. VCF-style: chr13-48465280-G-C. GRCh37 (hg19) VCF-style: chr13-49039416-G-C.
Other names: c.2401G>C, p.Gly801Arg (NM_001407165.1); short protein forms G801R.
Identifiers: ClinVar variation 5027991 (VCV005027991.1).